The following is an entry in ClinVar:

NM_003107.3(SOX4):c.998C>A (p.Ser333Ter)

Gene: SOX4 (SRY-box transcription factor 4; plus strand). Cytogenetic location: 6p22.3.
Variant type: single nucleotide variant.
Coding change: c.998C>A on transcript NM_003107.3 (MANE Select); coding-DNA position 998, C replaced by A.
Protein change: p.Ser333Ter; replaces serine 333 with a stop codon.
Molecular consequence: nonsense.
Genome position (GRCh38, 1-based): chr6:21,595,532, C>A. VCF-style: chr6-21595532-C-A. GRCh37 (hg19) VCF-style: chr6-21595763-C-A.
Other names: short protein forms S333*.
Identifiers: ClinVar variation 3067564 (VCV003067564.21), dbSNP rs763326505, ClinGen allele CA363271743.

ClinVar aggregate classification (germline): Likely pathogenic (1 of 4 stars; one submission).

Submission:

CeGaT Center for Human Genetics Tuebingen
Classification: Likely pathogenic. Last evaluated: 2024-03-01. Review status: criteria provided, single submitter. Criteria: CeGaT Center For Human Genetics Tuebingen Variant Classification Criteria Version 2. Collection method: clinical testing. Allele origin: germline. Affected: yes. Observed: 1 variant allele.
Comment: SOX4: PM2, PVS1:Moderate, PM6:Supporting, PS4:Supporting